The following is an entry in ClinVar:

ClinVar aggregate classification (germline): Uncertain significance. Review status: criteria provided, multiple submitters, no conflicts (2 of 4 stars). 3 submissions from 3 submitters: Uncertain significance (2). 1 of the submissions does not count toward it. Last evaluated 2017-04-04.

Conditions:
CACNG2-related disorder. Also called: CACNG2-related condition.

Allele frequency attached by ClinVar (database versions not stated): 1000 Genomes Project 30x 0.00016; 1000 Genomes Project 0.00020; ExAC 0.00035; gnomAD exomes 0.00046 and 0.00064; ESP Exome Variant Server 0.00054; gnomAD 0.00054; TOPMed 0.00076.
gnomAD v4.1: 1,017 of 1,613,930 alleles (0.063%); highest among the groups gnomAD compares: Admixed American, 0.16%; no homozygotes.

Submissions (3):

Eurofins Ntd Llc (ga)
Classification: Uncertain significance. Last evaluated: 2017-04-04. Review status: criteria provided, single submitter. Criteria: EGL Classification Definitions 2015. Collection method: clinical testing. Allele origin: germline. Observed: 1 variant allele, 1 heterozygote.

Genomic Diagnostic Laboratory, Division of Genomic Diagnostics, Children's Hospital of Philadelphia
Classification: Uncertain significance. Last evaluated: 2015-11-06. Review status: criteria provided, single submitter. Criteria: DGD Variant Analysis Guidelines. Collection method: clinical testing. Allele origin: unknown.

PreventionGenetics, part of Exact Sciences
Classification: Likely benign for CACNG2-related condition. Last evaluated: 2019-02-18. Review status: no assertion criteria provided. Collection method: clinical testing. Allele origin: germline. Not counted in ClinVar's aggregate classification.
Comment: This variant is classified as likely benign based on ACMG/AMP sequence variant interpretation guidelines (Richards et al. 2015 PMID: 25741868, with internal and published modifications).

NM_006078.5(CACNG2):c.640G>A (p.Ala214Thr)

Gene: CACNG2 (calcium voltage-gated channel auxiliary subunit gamma 2; minus strand). Cytogenetic location: 22q12.3.
Variant type: single nucleotide variant.
Coding change: c.640G>A on transcript NM_006078.5 (MANE Select); coding-DNA position 640, G replaced by A.
Protein change: p.Ala214Thr; replaces alanine 214 with threonine.
Molecular consequence: missense variant. On other transcripts: non-coding transcript variant (1).
Genome position (GRCh38, 1-based): chr22:36,564,683, C>T on the plus strand (G>A on the coding strand, the complement: CACNG2 is on the minus strand). VCF-style: chr22-36564683-C-T. GRCh37 (hg19) VCF-style: chr22-36960730-C-T.
Other names: c.571G>A, p.Ala191Thr (NM_001379051.1); short protein forms A214T, A191T.
Identifiers: ClinVar variation 252658 (VCV000252658.8), dbSNP rs139052540, ClinGen allele CA10212129.